The following is an entry in ClinVar:

NM_052947.4(ALPK2):c.1757C>T (p.Thr586Ile)

Gene: ALPK2 (alpha kinase 2; minus strand). Cytogenetic location: 18q21.31.
Variant type: single nucleotide variant.
Coding change: c.1757C>T on transcript NM_052947.4 (MANE Select); coding-DNA position 1757, C replaced by T.
Protein change: p.Thr586Ile; replaces threonine 586 with isoleucine.
Molecular consequence: missense variant.
Genome position (GRCh38, 1-based): chr18:58,579,019, G>A on the plus strand (C>T on the coding strand, the complement: ALPK2 is on the minus strand). VCF-style: chr18-58579019-G-A. GRCh37 (hg19) VCF-style: chr18-56246251-G-A.
Other names: short protein forms T586I.
Identifiers: ClinVar variation 1779491 (VCV001779491.2), dbSNP rs1242775793, ClinGen allele CA402560390.

ClinVar aggregate classification (germline): Uncertain significance (1 of 4 stars; one submission).

Allele frequency attached by ClinVar (database versions not stated): gnomAD 0.00001; TOPMed 0.00001; gnomAD exomes 0.00003.
gnomAD v4.1: 40 of 1,614,094 alleles (0.0025%); highest among the groups gnomAD compares: Non-Finnish European, 0.0031%; no homozygotes.

Submission:

Ambry Genetics
Classification: Uncertain significance. Last evaluated: 2023-12-29. Review status: criteria provided, single submitter. Criteria: Ambry Variant Classification Scheme 2023. Collection method: clinical testing. Allele origin: germline.
Comment: The p.T586I variant (also known as c.1757C>T), located in coding exon 3 of the ALPK2 gene, results from a C to T substitution at nucleotide position 1757. The threonine at codon 586 is replaced by isoleucine, an amino acid with similar properties. This amino acid position is conserved. In addition, this alteration is predicted to be tolerated by in silico analysis. Since supporting evidence is limited at this time, the clinical significance of this alteration remains unclear.